The following is an entry in ClinVar:

NM_000179.3(MSH6):c.1406del (p.Tyr469fs)

Gene: MSH6 (mutS homolog 6; plus strand). Cytogenetic location: 2p16.3.
Variant type: Deletion.
Coding change: c.1406del on transcript NM_000179.3 (MANE Select); coding-DNA position 1406, one base deleted (A; older notation c.1406delA).
Protein change: p.Tyr469fs; shifts the reading frame from tyrosine 469.
Molecular consequence: frameshift variant. On other transcripts: non-coding transcript variant (4), intron variant (1).
Genome position (GRCh38, 1-based): chr2:47,799,389, A deleted. VCF-style (leftmost placement, unchanged base first): chr2-47799388-TA-T. GRCh37 (hg19) VCF-style: chr2-48026527-TA-T.
Other names: c.1016del, p.Tyr339fs (NM_001281492.2); c.500del, p.Tyr167fs (NM_001281493.2, NM_001281494.2, NM_001406811.1 and 6 more transcripts); c.1502del, p.Tyr501fs (NM_001406795.1, NM_001406802.1); c.1406del, p.Tyr469fs (NM_001406796.1, NM_001406798.1, NM_001406800.1 and 4 more transcripts); c.1109del, p.Tyr370fs (NM_001406797.1, NM_001406801.1, NM_001406805.1 and 10 more transcripts); c.881del, p.Tyr294fs (NM_001406799.1, NM_001406806.1, NM_001406807.1); c.1328del, p.Tyr443fs (NM_001406804.1); c.1412del, p.Tyr471fs (NM_001406813.1); and 2 more; short protein forms Y167fs, Y294fs, Y339fs, Y370fs, Y413fs, Y443fs, Y469fs, Y471fs.
Identifiers: ClinVar variation 2673756 (VCV002673756.5), dbSNP rs2530607779, ClinGen allele CA2695200576.

ClinVar aggregate classification (germline): Pathogenic. Review status: criteria provided, multiple submitters, no conflicts (2 of 4 stars). 3 submissions from 3 submitters: Pathogenic (3). Last evaluated 2024-04-29.

Conditions:
Hereditary nonpolyposis colorectal neoplasms. Identifiers: MedGen C0009405, MeSH D003123.
Hereditary cancer-predisposing syndrome. Also called: Tumor predisposition; Hereditary neoplastic syndrome; Neoplastic Syndromes, Hereditary; Hereditary Cancer Syndrome. Identifiers: Orphanet 140162, MedGen C0027672, MeSH D009386, MONDO:0015356.
Lynch syndrome 5 (LYNCH5). Also called: Colorectal cancer, hereditary nonpolyposis, type 5; Hereditary non-polyposis colorectal cancer, type 5. Identifiers: Orphanet 144, MedGen C1833477, MONDO:0013710, OMIM 614350. Disease mechanism: loss of function.

Submissions (3):

Labcorp Genetics (formerly Invitae), Labcorp
Classification: Pathogenic for Hereditary nonpolyposis colorectal neoplasms. Last evaluated: 2024-04-29. Review status: criteria provided, single submitter. Criteria: Invitae Variant Classification Sherloc (09022015). Collection method: clinical testing. Allele origin: germline.
Comment: This sequence change creates a premature translational stop signal (p.Tyr469Phefs*12) in the MSH6 gene. It is expected to result in an absent or disrupted protein product. Loss-of-function variants in MSH6 are known to be pathogenic (PMID: 18269114, 24362816). This variant is not present in population databases (gnomAD no frequency). This variant has not been reported in the literature in individuals affected with MSH6-related conditions. RNA analysis performed to evaluate the impact of this premature translational stop signal on mRNA splicing indicates it does not significantly alter splicing (Invitae). For these reasons, this variant has been classified as Pathogenic.

Ambry Genetics
Classification: Pathogenic for Hereditary cancer-predisposing syndrome. Last evaluated: 2024-02-05. Review status: criteria provided, single submitter. Criteria: Ambry Variant Classification Scheme 2023. Collection method: clinical testing. Allele origin: germline.
Comment: The c.1406delA pathogenic mutation, located in coding exon 4 of the MSH6 gene, results from a deletion of one nucleotide at nucleotide position 1406, causing a translational frameshift with a predicted alternate stop codon (p.Y469Ffs*12). This variant has been observed in at least one individual with a personal and/or family history that is consistent with Lynch syndrome (Ambry internal data). This variant is considered to be rare based on population cohorts in the Genome Aggregation Database (gnomAD). This alteration is expected to result in loss of function by premature protein truncation or nonsense-mediated mRNA decay. As such, this alteration is interpreted as a disease-causing mutation.

Myriad Genetics, Inc.
Classification: Pathogenic for Lynch syndrome 5. Last evaluated: 2023-08-14. Review status: criteria provided, single submitter. Criteria: Myriad Autosomal Dominant, Autosomal Recessive and X-Linked Classification Criteria (2023). Collection method: clinical testing. Allele origin: unknown.
Comment: This variant is considered pathogenic. This variant creates a frameshift predicted to result in premature protein truncation.

Literature cited by the submitters: PubMed 18269114 (cited by Labcorp Genetics (formerly Invitae), Labcorp); PubMed 24362816 (cited by Labcorp Genetics (formerly Invitae), Labcorp).